The following continues an entry in ClinVar:

NM_004183.4(BEST1):c.728C>T (p.Ala243Val)

Gene: BEST1. ClinVar aggregate classification (germline): Pathogenic/Likely pathogenic. Pathogenic (14); Likely pathogenic (3).

Submissions 16 to 20 of 20:

Eurofins Ntd Llc (ga)
Classification: Pathogenic. Last evaluated: 2017-02-04. Review status: criteria provided, single submitter. Criteria: EGL Classification Definitions 2015. Collection method: clinical testing. Allele origin: germline. Observed: 1 variant allele, 1 heterozygote.

Juno Genomics, Hangzhou Juno Genomics, Inc
Classification: Pathogenic for Vitelliform macular dystrophy 2. Review status: criteria provided, single submitter. Criteria: ACMG Guidelines, 2015. Collection method: clinical testing. Allele origin: germline.
Comment: Absent from controls (or at extremely low frequency if recessive) in Genome Aggregation Database.;Well-established in vitro or in vivo functional studies supportive of a damaging effect on the gene or gene product.;The prevalence of the variant in affected individuals is significantly increased compared to the prevalence in controls.;Co-segregation with disease in multiple affected family members.;Novel missense change at an amino acid residue where a different missense change determined to be pathogenic has been seen before.

Department of Clinical Genetics, Copenhagen University Hospital, Rigshospitalet
Classification: Likely pathogenic for Vitelliform macular dystrophy type 2. Last evaluated: 2018-04-01. Review status: no assertion criteria provided. Collection method: research. Allele origin: unknown. Affected: yes. Study: VeluxRD. Not counted in ClinVar's aggregate classification.

OMIM
Classification: Pathogenic for MACULAR DYSTROPHY, VITELLIFORM, 2. Last evaluated: 2000-04-01. Review status: no assertion criteria provided. Collection method: literature only. Allele origin: germline. Not counted in ClinVar's aggregate classification.

Retina International
No classification provided. Review status: no classification provided. Collection method: not provided. Allele origin: not provided. Not counted in ClinVar's aggregate classification.

Literature cited by the submitters: PubMed 10854112 (cited by 3 submitters); PubMed 28225368 (cited by 4 submitters); PubMed 28559085 (cited by Labcorp Genetics (formerly Invitae), Labcorp and Institute of Human Genetics, Univ. Regensburg, Univ. Regensburg); PubMed 17065513 (cited by 3 submitters); PubMed 24560797 (cited by Labcorp Genetics (formerly Invitae), Labcorp and Institute of Human Genetics, Univ. Regensburg, Univ. Regensburg); PubMed 10737974 (cited by Variantyx, Inc. and Institute of Human Genetics, Univ. Regensburg, Univ. Regensburg); PubMed 34327816 (cited by Variantyx, Inc. and Institute of Human Genetics, Univ. Regensburg, Univ. Regensburg); PubMed 21436265 (cited by 3 submitters); PubMed 10798642 (cited by Variantyx, Inc.); PubMed 25082885 (cited by Variantyx, Inc.); PubMed 29555955 (cited by Institute of Human Genetics, Univ. Regensburg, Univ. Regensburg); PubMed 31589614 (cited by Institute of Human Genetics, Univ. Regensburg, Univ. Regensburg); PubMed 31570112 (cited by Institute of Human Genetics, Univ. Regensburg, Univ. Regensburg); PubMed 32239196 (cited by Institute of Human Genetics, Univ. Regensburg, Univ. Regensburg and OMIM); PubMed 32531858 (cited by Institute of Human Genetics, Univ. Regensburg, Univ. Regensburg); PubMed 36512348 (cited by Institute of Human Genetics, Univ. Regensburg, Univ. Regensburg); PubMed 35119454 (cited by Institute of Human Genetics, Univ. Regensburg, Univ. Regensburg); PubMed 36460718 (cited by Institute of Human Genetics, Univ. Regensburg, Univ. Regensburg); PubMed 18289629 (cited by Eurofins Ntd Llc (ga)); PubMed 23213274 (cited by Eurofins Ntd Llc (ga)); PubMed 30718709 (cited by Department of Clinical Genetics, Copenhagen University Hospital, Rigshospitalet).